The following is an entry in ClinVar:

NM_153252.5(BRWD3):c.4402A>G (p.Lys1468Glu)

Gene: BRWD3 (bromodomain and WD repeat domain containing 3; minus strand). Cytogenetic location: Xq21.1.
Variant type: single nucleotide variant.
Coding change: c.4402A>G on transcript NM_153252.5 (MANE Select); coding-DNA position 4402, A replaced by G.
Protein change: p.Lys1468Glu; replaces lysine 1468 with glutamic acid.
Molecular consequence: missense variant.
Genome position (GRCh38, 1-based): chrX:80,682,090, T>C on the plus strand (A>G on the coding strand, the complement: BRWD3 is on the minus strand). VCF-style: chrX-80682090-T-C. GRCh37 (hg19) VCF-style: chrX-79937589-T-C.
Other names: c.4252A>G, p.Lys1418Glu (NM_001441339.1); short protein forms K1418E, K1468E.
Identifiers: ClinVar variation 4819057 (VCV004819057.1).

ClinVar aggregate classification (germline): Uncertain significance (1 of 4 stars; one submission).

Conditions:
Intellectual developmental disorder, X-linked 93. Also called: MENTAL RETARDATION, X-LINKED, WITH MACROCEPHALY; Intellectual disability, X-linked 93. Identifiers: MedGen C1970841, MONDO:0010393, OMIM 300659.

Submission:

Victorian Clinical Genetics Services, Murdoch Childrens Research Institute
Classification: Uncertain significance for Intellectual developmental disorder, X-linked 93. Last evaluated: 2026-01-14. Review status: criteria provided, single submitter. Criteria: ACMG Guidelines, 2015. Collection method: clinical testing. Allele origin: germline.
Comment: This variant is classified as VUS-3B. Evidence in support of pathogenic classification: Variant is absent from gnomAD (v2, v3 and v4). Additional information: Variant is predicted to result in a missense amino acid change from Lys to Glu; This variant is heterozygous; This gene is associated with X-linked disease. Females with heterozygous variants have been reported to be affected (PMIDs:17668385, 36514184, 36414205); This variant has no previous evidence of pathogenicity; No published evidence of segregation with disease has been identified for this variant; No published functional evidence has been identified for this variant; No comparable missense variants have previous evidence for pathogenicity; Variant is not located in an established domain, motif, hotspot or informative constraint region; Missense variant with inconclusive in silico prediction and/or uninformative conservation; Loss of function is a known mechanism of disease in this gene and is associated with intellectual developmental disorder, X-linked 93 (MIM#300659); Parental origin of the variant is unresolved.

Literature cited by the submitters: PubMed 36514184; PubMed 36414205; PubMed 17668385.